The following is an entry in ClinVar:

ClinVar aggregate classification (germline): Uncertain significance (1 of 4 stars; one submission).

Conditions:
Loeys-Dietz syndrome 4 (LDS4). Also called: ANEURYSM, AORTIC AND CEREBRAL, WITH ARTERIAL TORTUOSITY AND SKELETAL MANIFESTATIONS; TGFB2-Related Loeys-Dietz Syndrome. Identifiers: MedGen C3553762, MONDO:0013897, OMIM 614816.

gnomAD v4.1: 1 of 1,614,178 alleles (0.000062%); no homozygotes.

Submission:

Labcorp Genetics (formerly Invitae), Labcorp
Classification: Uncertain significance for Loeys-Dietz syndrome 4. Last evaluated: 2022-04-29. Review status: criteria provided, single submitter. Criteria: Invitae Variant Classification Sherloc (09022015). Collection method: clinical testing. Allele origin: germline.
Comment: In summary, the available evidence is currently insufficient to determine the role of this variant in disease. Therefore, it has been classified as a Variant of Uncertain Significance. Advanced modeling of protein sequence and biophysical properties (such as structural, functional, and spatial information, amino acid conservation, physicochemical variation, residue mobility, and thermodynamic stability) performed at Invitae indicates that this missense variant is not expected to disrupt TGFB2 protein function. This variant has not been reported in the literature in individuals affected with TGFB2-related conditions. This variant is not present in population databases (gnomAD no frequency). This sequence change replaces threonine, which is neutral and polar, with alanine, which is neutral and non-polar, at codon 181 of the TGFB2 protein (p.Thr181Ala).

NM_003238.6(TGFB2):c.541A>G (p.Thr181Ala)

Gene: TGFB2 (transforming growth factor beta 2; plus strand). Cytogenetic location: 1q41.
Variant type: single nucleotide variant.
Coding change: c.541A>G on transcript NM_003238.6 (MANE Select); coding-DNA position 541, A replaced by G.
Protein change: p.Thr181Ala; replaces threonine 181 with alanine.
Molecular consequence: missense variant. On other transcripts: non-coding transcript variant (2).
Genome position (GRCh38, 1-based): chr1:218,434,112, A>G. VCF-style: chr1-218434112-A-G. GRCh37 (hg19) VCF-style: chr1-218607454-A-G.
Other names: c.625A>G, p.Thr209Ala (NM_001135599.4); short protein forms T181A, T209A.
Identifiers: ClinVar variation 2161463 (VCV002161463.4), dbSNP rs2464864271, ClinGen allele CA344726482.